The following is an entry in ClinVar:

ClinVar aggregate classification (germline): Pathogenic. Review status: criteria provided, single submitter (1 of 4 stars). 3 submissions from 3 submitters: Pathogenic (1). 2 of the submissions do not count toward it. Last evaluated 2022-06-20.

Conditions:
Ichthyosis, annular epidermolytic 1. Identifiers: MedGen CN324065, MONDO:0100303, OMIM 607602.

Submissions (3):

Labcorp Genetics (formerly Invitae), Labcorp
Classification: Pathogenic. Last evaluated: 2022-06-20. Review status: criteria provided, single submitter. Criteria: Invitae Variant Classification Sherloc (09022015). Collection method: clinical testing. Allele origin: germline.
Comment: This sequence change replaces isoleucine, which is neutral and non-polar, with threonine, which is neutral and polar, at codon 446 of the KRT10 protein (p.Ile446Thr). This variant is not present in population databases (gnomAD no frequency). This missense change has been observed in individuals with autosomal dominant KRT10-related conditions (PMID: 9856845). It has also been observed to segregate with disease in related individuals. ClinVar contains an entry for this variant (Variation ID: 66163). Advanced modeling of protein sequence and biophysical properties (such as structural, functional, and spatial information, amino acid conservation, physicochemical variation, residue mobility, and thermodynamic stability) performed at Invitae indicates that this missense variant is expected to disrupt KRT10 protein function. For these reasons, this variant has been classified as Pathogenic.

OMIM
Classification: Pathogenic for ICHTHYOSIS, ANNULAR EPIDERMOLYTIC, 1. Last evaluated: 2024-02-07. Review status: no assertion criteria provided. Collection method: literature only. Allele origin: germline. Not counted in ClinVar's aggregate classification.

Epithelial Biology;  Institute of Medical Biology, Singapore
No classification provided. Review status: no classification provided. Collection method: not provided. Allele origin: not provided. Not counted in ClinVar's aggregate classification.

Literature cited by the submitters: PubMed 9856845 (cited by Labcorp Genetics (formerly Invitae), Labcorp and OMIM).

NM_000421.5(KRT10):c.1337T>C (p.Ile446Thr)

Genes: KRT10 (keratin 10; minus strand), KRT10-AS1 (KRT10 antisense RNA 1; plus strand). Cytogenetic location: 17q21.2.
Variant type: single nucleotide variant.
Coding change: c.1337T>C on transcript NM_000421.5 (MANE Select); coding-DNA position 1337, T replaced by C.
Protein change: p.Ile446Thr; replaces isoleucine 446 with threonine.
Molecular consequence: missense variant.
Genome position (GRCh38, 1-based): chr17:40,819,553, A>G on the plus strand (T>C on the coding strand, the complement: KRT10 is on the minus strand). VCF-style: chr17-40819553-A-G. GRCh37 (hg19) VCF-style: chr17-38975805-A-G.
Other names: I107T; c.1337T>C, p.Ile446Thr (NM_001379366.1); short protein forms I446T.
Identifiers: ClinVar variation 66163 (VCV000066163.5), dbSNP rs62651994, ClinGen allele CA216572.
Genomic context (GRCh38, chr17:40,819,553, plus strand): 5'-ATAACTTTTCATTTTAAAATTTACCTTCCCTCTCCTTCTAGCAGGCTGCGGTAGGTTTGA[A>G]TTTCATTCTCCAGTCGGATCTTAATATCCAGGAGTTGTTGGTATTCAGTATTCTGGCACT-3'
Protein context (NP_000412.4, residues 436-456): LDIKIRLENE[Ile446Thr]QTYRSLLEGE